The following is an entry in ClinVar:

ClinVar aggregate classification (germline): Uncertain significance (1 of 4 stars; one submission).

Submission:

Labcorp Genetics (formerly Invitae), Labcorp
Classification: Uncertain significance. Last evaluated: 2024-09-08. Review status: criteria provided, single submitter. Criteria: Invitae Variant Classification Sherloc (09022015). Collection method: clinical testing. Allele origin: germline.
Comment: This sequence change replaces arginine, which is basic and polar, with leucine, which is neutral and non-polar, at codon 41 of the DRP2 protein (p.Arg41Leu). Information on the frequency of this variant in the gnomAD database is not available, as this variant may be reported differently in the database. This variant has not been reported in the literature in individuals affected with DRP2-related conditions. An algorithm developed to predict the effect of missense changes on protein structure and function (PolyPhen-2) suggests that this variant is likely to be tolerated. In summary, the available evidence is currently insufficient to determine the role of this variant in disease. Therefore, it has been classified as a Variant of Uncertain Significance.

NM_001939.3(DRP2):c.121_122delinsTT (p.Arg41Leu)

Gene: DRP2 (dystrophin related protein 2; plus strand). Cytogenetic location: Xq22.1.
Variant type: Indel.
Coding change: c.121_122delinsTT on transcript NM_001939.3 (MANE Select); coding-DNA positions 121 to 122, AG replaced by TT.
Protein change: p.Arg41Leu; replaces arginine 41 with leucine.
Molecular consequence: missense variant. On other transcripts: 5 prime UTR variant (1).
Genome position (GRCh38, 1-based): chrX:101,235,863-101,235,864, AG replaced by TT. VCF-style: chrX-101235863-AG-TT. GRCh37 (hg19) VCF-style: chrX-100490852-AG-TT.
Other names: c.-114_-113delinsTT (NM_001171184.2); short protein forms R41L.
Identifiers: ClinVar variation 3685602 (VCV003685602.2).
Genomic context (GRCh38, chrX:101,235,863, plus strand): 5'-TGCAGACCAGGGTGTGGCACAATCCAAGGATCACAGGATGTTTGTGTTTCTGTCCAGGTT[AG>TT]AGCTGCTGTCACCAGCCCTGCACCTCCTCAAGATGGTGCTGGGGTTCCCTGCCTAAGCCT-3'
Protein context (NP_001930.2, residues 31-51): LRSTCPHPQV[Arg41Leu]AAVTSPAPPQ